The following is an entry in ClinVar:

ClinVar aggregate classification (germline): Pathogenic (1 of 4 stars; one submission).

Conditions:
Rubinstein-Taybi syndrome (RSTS). Identifiers: Orphanet 783, MedGen C0035934, MONDO:0019188.

Submission:

Labcorp Genetics (formerly Invitae), Labcorp
Classification: Pathogenic for Rubinstein-Taybi syndrome. Last evaluated: 2024-06-24. Review status: criteria provided, single submitter. Criteria: Invitae Variant Classification Sherloc (09022015). Collection method: clinical testing. Allele origin: germline.
Comment: This sequence change creates a premature translational stop signal (p.Pro2156Glyfs*181) in the CREBBP gene. While this is not anticipated to result in nonsense mediated decay, it is expected to disrupt the last 287 amino acid(s) of the CREBBP protein. This variant is not present in population databases (gnomAD no frequency). This variant has not been reported in the literature in individuals affected with CREBBP-related conditions. ClinVar contains an entry for this variant (Variation ID: 2110101). This variant disrupts a region of the CREBBP protein in which other variant(s) (p.Met2225Alafs*78) have been determined to be pathogenic (PMID: 32170002). This suggests that this is a clinically significant region of the protein, and that variants that disrupt it are likely to be disease-causing. For these reasons, this variant has been classified as Pathogenic.

Literature cited by the submitters: PubMed 32170002.

NM_004380.3(CREBBP):c.6466_6476del (p.Pro2156fs)

Gene: CREBBP (CREB binding lysine acetyltransferase; minus strand). Cytogenetic location: 16p13.3.
Variant type: Deletion.
Coding change: c.6466_6476del on transcript NM_004380.3 (MANE Select); coding-DNA positions 6466 to 6476, 11 bases deleted (CCACAGCAGCA).
Protein change: p.Pro2156fs; shifts the reading frame from proline 2156.
Molecular consequence: frameshift variant.
Genome position (GRCh38, 1-based): chr16:3,728,571-3,728,581, TGCTGCTGTGG deleted on the plus strand (CCACAGCAGCA on the coding strand, the reverse complement: CREBBP is on the minus strand). VCF-style (leftmost placement, unchanged base first): chr16-3728570-CTGCTGCTGTGG-C. GRCh37 (hg19) VCF-style: chr16-3778571-CTGCTGCTGTGG-C.
Other names: c.6352_6362del, p.Pro2118fs (NM_001079846.1); short protein forms P2118fs, P2156fs.
Identifiers: ClinVar variation 2110101 (VCV002110101.4), dbSNP rs2548345332, ClinGen allele CA2580091127.